The following is an entry in ClinVar:

NM_002880.4(RAF1):c.935T>C (p.Val312Ala)

Gene: RAF1 (Raf-1 proto-oncogene, serine/threonine kinase; minus strand). Cytogenetic location: 3p25.2.
Variant type: single nucleotide variant.
Coding change: c.935T>C on transcript NM_002880.4 (MANE Select); coding-DNA position 935, T replaced by C.
Protein change: p.Val312Ala; replaces valine 312 with alanine.
Molecular consequence: missense variant. On other transcripts: non-coding transcript variant (3).
Genome position (GRCh38, 1-based): chr3:12,600,207, A>G on the plus strand (T>C on the coding strand, the complement: RAF1 is on the minus strand). VCF-style: chr3-12600207-A-G. GRCh37 (hg19) VCF-style: chr3-12641706-A-G.
Other names: p.V312A:GTG>GCG; NM_002880.3(RAF1):c.935T>C; NM_002880.4(RAF1):c.935T>C; c.995T>C, p.Val332Ala (NM_001354689.3); c.935T>C, p.Val312Ala (NM_001354690.3); c.692T>C, p.Val231Ala (NM_001354691.3, NM_001354692.3); c.836T>C, p.Val279Ala (NM_001354693.3); c.752T>C, p.Val251Ala (NM_001354694.3); and 1 more; short protein forms V312A, V332A, V231A, V279A, V198A, V251A.
Identifiers: ClinVar variation 40612 (VCV000040612.36), dbSNP rs370243307, ClinGen allele CA177679.

ClinVar aggregate classification (germline): Likely benign. Review status: reviewed by expert panel (3 of 4 stars). 9 submissions from 9 submitters: Likely benign (1). 8 of the submissions do not count toward it. Last evaluated 2024-12-03.

Conditions:
Cardiovascular phenotype. Identifiers: MedGen CN230736.
RASopathy. Also called: rasopathies; Noonan spectrum disorder. Identifiers: Orphanet 536391, MedGen C5555857, MONDO:0021060.
Hypertrophic cardiomyopathy 1 (CMH1). Also called: Familial hypertrophic cardiomyopathy 1; MYH7-Related Familial Hypertrophic Cardiomyopathy. Identifiers: MedGen C3495498, MONDO:0008647, OMIM 192600.

Allele frequency attached by ClinVar (database versions not stated): TOPMed 0.00008; gnomAD 0.00009 and 0.00010; ESP Exome Variant Server 0.00008; gnomAD exomes 0.00015; ExAC 0.00016.
gnomAD v4.1: 136 of 1,614,054 alleles (0.0084%); highest among the groups gnomAD compares: Middle Eastern, 0.049%; no homozygotes.

Submissions (9):

ClinGen RASopathy Variant Curation Expert Panel
Classification: Likely benign for RASopathy. Last evaluated: 2024-12-03. Review status: reviewed by expert panel. Criteria: ClinGen RASopathy ACMG Specifications RAF1 V2.3.0. Collection method: curation. Allele origin: germline. Inheritance: Autosomal dominant inheritance.
Comment: The c.935T>C (p.Val312Ala) variant in the RAF1 gene is a missense variant predicted to cause substitution of valine by alanine at amino acid 312. The computational predictor REVEL gives a score of 0.174, which is below the threshold of 0.3 and does not predict a damaging effect on RAF1 function (BP4). Additionally, this variant was identified in a case with an alternate molecular basis for disease (BP5; GeneDx, Partners LMM internal data; GTR ID's: 26957, 21766; ClinVar SCV000200036.4; SCV000209006.12). In summary, this variant meets criteria to be classified as likely benign for autosomal dominant RASopathies based on the ACMG/AMP criteria applied, as specified by the ClinGen RASopathy Variant Curation Expert Panel: BP4, BP5. (Specification Version 2.3, 12/3/2024)

Labcorp Genetics (formerly Invitae), Labcorp
Classification: Likely benign for RASopathy. Last evaluated: 2026-01-05. Review status: criteria provided, single submitter. Criteria: Invitae Variant Classification Sherloc (09022015). Collection method: clinical testing. Allele origin: germline. Not counted in ClinVar's aggregate classification.

CeGaT Center for Human Genetics Tuebingen
Classification: Likely benign. Last evaluated: 2026-01-01. Review status: criteria provided, single submitter. Criteria: CeGaT Center For Human Genetics Tuebingen Variant Classification Criteria Version 2. Collection method: clinical testing. Allele origin: germline. Affected: yes. Observed: 2 variant alleles. Not counted in ClinVar's aggregate classification.
Comment: RAF1: BP4

Women's Health and Genetics/Laboratory Corporation of America, LabCorp
Classification: Likely benign. Last evaluated: 2025-12-08. Review status: criteria provided, single submitter. Criteria: LabCorp Variant Classification Summary - May 2015. Collection method: clinical testing. Allele origin: germline. Not counted in ClinVar's aggregate classification.
Comment: Variant summary: RAF1 c.935T>C (p.Val312Ala) results in a non-conservative amino acid change in the encoded protein sequence. Algorithms developed to predict the effect of missense changes on protein structure and function are either unavailable or do not agree on the potential impact of this missense change. The variant allele was found at a frequency of 0.00015 in 251364 control chromosomes. The observed variant frequency exceeds the estimated maximal expected allele frequency for disease-causing variants in RAF1. c.935T>C has been reported in the literature in at-least one individual affected with Noonan Syndrome And Related Conditions (examples:Hakami_2016). These report(s) do not provide unequivocal conclusions about association of the variant with Noonan Syndrome And Related Conditions. To our knowledge, no experimental evidence demonstrating an impact on protein function has been reported. The following publications have been ascertained in the context of this evaluation (PMID: 26918529, 27974047). ClinVar contains an entry for this variant (Variation ID: 40612). Based on the evidence outlined above, the variant was classified as likely benign.

Blueprint Genetics
Classification: Likely benign. Last evaluated: 2024-10-29. Review status: criteria provided, single submitter. Criteria: ACMG Guidelines, 2015. Collection method: clinical testing. Allele origin: germline. Not counted in ClinVar's aggregate classification.

GeneDx
Classification: Likely benign. Last evaluated: 2021-02-01. Review status: criteria provided, single submitter. Criteria: GeneDx Variant Classification Process June 2021. Collection method: clinical testing. Allele origin: germline. Affected: yes. Not counted in ClinVar's aggregate classification.
Comment: Observed in a newborn with a suspected Noonan spectrum disorder in published literature (Hakami et al., 2016); In silico analysis supports that this missense variant does not alter protein structure/function; This variant is associated with the following publications: (PMID: 31032133, 27974047, 26918529)

Molecular Diagnostic Laboratory for Inherited Cardiovascular Disease, Montreal Heart Institute
Classification: Uncertain significance for Hypertrophic cardiomyopathy 1. Last evaluated: 2019-12-30. Review status: criteria provided, single submitter. Criteria: ACMG Guidelines, 2015. Collection method: clinical testing. Allele origin: germline. Affected: yes. Not counted in ClinVar's aggregate classification.

Ambry Genetics
Classification: Likely benign for Cardiovascular phenotype. Last evaluated: 2019-06-21. Review status: criteria provided, single submitter. Criteria: Ambry Variant Classification Scheme 2023. Collection method: clinical testing. Allele origin: germline. Not counted in ClinVar's aggregate classification.

Laboratory for Molecular Medicine, Mass General Brigham Personalized Medicine
Classification: Uncertain significance. Last evaluated: 2013-12-05. Review status: criteria provided, single submitter. Criteria: LMM Criteria. Collection method: clinical testing. Allele origin: germline. Observed: 2 variant alleles. Not counted in ClinVar's aggregate classification.
Comment: The Val312Ala variant in RAF1 has not been previously reported in other families with clinical features of Noonan spectrum disorders, but has been identified in 1/8600 European American chromosomes by the NHLBI Exome Sequencing Project. Of note, another variant at this position, Val31 2Gly, has been identified in one fetus with abnormal ultrasound findings and a n ormal karyotype (Croonen 2013). Valine (Val) at position 312 is not conserved in mammals or across evolutionarily distant species, and several mammals and other species (including cow, sheep, antelope, and fish species) have an alanine (Ala ) at this position, suggesting that this change may be tolerated. Other computat ional analyses (biochemical amino acid properties, AlignGVGD, PolyPhen2, and SIF T) suggest that the Val312Ala variant may not impact the protein. In summary, ad ditional information is needed to fully assess the clinical significance of the Val312Ala variant.

Literature cited by the submitters: PubMed 26918529 (cited by Women's Health and Genetics/Laboratory Corporation of America, LabCorp); PubMed 27974047 (cited by Women's Health and Genetics/Laboratory Corporation of America, LabCorp); PubMed 23321623 (cited by Laboratory for Molecular Medicine, Mass General Brigham Personalized Medicine).